The following is an entry in ClinVar:

NM_000181.4(GUSB):c.396+1G>A

Gene: GUSB (glucuronidase beta; minus strand). Cytogenetic location: 7q11.21.
Variant type: single nucleotide variant.
Coding change: c.396+1G>A on transcript NM_000181.4 (MANE Select); the canonical splice donor site of the intron after coding-DNA position 396, G replaced by A.
Molecular consequence: splice donor variant.
Genome position (GRCh38, 1-based): chr7:65,980,223, C>T on the plus strand (G>A on the coding strand, the complement: GUSB is on the minus strand). VCF-style: chr7-65980223-C-T. GRCh37 (hg19) VCF-style: chr7-65445210-C-T.
Other names: c.11+1G>A (NM_001293104.2); c.396+1G>A (NM_001284290.2); c.67+1G>A (NM_001293105.2).
Identifiers: ClinVar variation 2197624 (VCV002197624.4), dbSNP rs747048051, ClinGen allele CA4276670.

ClinVar aggregate classification (germline): Likely pathogenic (1 of 4 stars; one submission).

Conditions:
Mucopolysaccharidosis type 7 (MPS7). Also called: MPS VII; SLY SYNDROME; BETA-GLUCURONIDASE DEFICIENCY; GUSB DEFICIENCY. Identifiers: Orphanet 584, MedGen C0085132, MONDO:0009662, OMIM 253220.

Submission:

Labcorp Genetics (formerly Invitae), Labcorp
Classification: Likely pathogenic for Mucopolysaccharidosis type 7. Last evaluated: 2025-12-11. Review status: criteria provided, single submitter. Criteria: Invitae Variant Classification Sherloc (09022015). Collection method: clinical testing. Allele origin: germline.
Comment: This sequence change affects a donor splice site in intron 2 of the GUSB gene. It is expected to disrupt RNA splicing. Variants that disrupt the donor or acceptor splice site typically lead to a loss of protein function (PMID: 16199547), and loss-of-function variants in GUSB are known to be pathogenic (PMID: 19224584). This variant is not present in population databases (gnomAD no frequency). This variant has not been reported in the literature in individuals affected with GUSB-related conditions. ClinVar contains an entry for this variant (Variation ID: 2197624). Algorithms developed to predict the effect of sequence changes on RNA splicing suggest that this variant may disrupt the consensus splice site. In summary, the currently available evidence indicates that the variant is pathogenic, but additional data are needed to prove that conclusively. Therefore, this variant has been classified as Likely Pathogenic.

Literature cited by the submitters: PubMed 16199547; PubMed 19224584.